The following is an entry in ClinVar:

NM_144498.4(OSBPL2):c.1035C>T (p.Asp345=)

Gene: OSBPL2 (oxysterol binding protein like 2; plus strand). Cytogenetic location: 20q13.33.
Variant type: single nucleotide variant.
Coding change: c.1035C>T on transcript NM_144498.4 (MANE Select); coding-DNA position 1035, C replaced by T.
Protein change: p.Asp345=; no amino-acid change (aspartic acid 345 retained).
Molecular consequence: synonymous variant.
Genome position (GRCh38, 1-based): chr20:62,286,621, C>T. VCF-style: chr20-62286621-C-T. GRCh37 (hg19) VCF-style: chr20-60861677-C-T.
Other names: c.759C>T, p.Asp253= (NM_001278649.3, NM_001363878.2); c.999C>T, p.Asp333= (NM_014835.5); c.1035C>T (NM_144498.2).
Identifiers: ClinVar variation 1555543 (VCV001555543.11), dbSNP rs200992668, ClinGen allele CA9938682.
Genomic context (GRCh38, chr20:62,286,621, plus strand): 5'-ACAGCAGGGTTCTGTGTTTCAGGATGAAGACTCCGGGAAGGCTGACAGCGACGTGGCTGA[C>T]GACGTGCCTGTGGCCCAGGAGACCGTGCAGGTCATTCCTGGCAGCAAGCTGCTCTGGAGG-3'
Protein context (NP_653081.1, residues 335-355): DSGKADSDVA[Asp345=]DVPVAQETVQ

ClinVar aggregate classification (germline): Likely benign. Review status: criteria provided, multiple submitters, no conflicts (2 of 4 stars). 4 submissions from 4 submitters: Likely benign (4). Last evaluated 2025-12-29.

Conditions:
OSBPL2-related disorder. Also called: OSBPL2-related condition.

Allele frequency attached by ClinVar (database versions not stated): TOPMed 0.00009; gnomAD 0.00014 and 0.00018; ESP Exome Variant Server 0.00015; gnomAD exomes 0.00015 and 0.00020; ExAC 0.00026; 1000 Genomes Project 30x 0.00031; 1000 Genomes Project 0.00040.
gnomAD v4.1: 245 of 1,613,700 alleles (0.015%); highest among the groups gnomAD compares: East Asian, 0.078%; 1 homozygote.

Submissions (4):

PreventionGenetics, part of Exact Sciences
Classification: Likely benign for OSBPL2-related condition. Last evaluated: 2025-12-29. Review status: criteria provided, single submitter. Criteria: ACMG Guidelines, 2015. Collection method: clinical testing. Allele origin: germline.
Comment: This variant is classified as likely benign based on ACMG/AMP sequence variant interpretation guidelines (Richards et al. 2015 PMID: 25741868, with internal and published modifications).

Labcorp Genetics (formerly Invitae), Labcorp
Classification: Likely benign. Last evaluated: 2025-09-28. Review status: criteria provided, single submitter. Criteria: Invitae Variant Classification Sherloc (09022015). Collection method: clinical testing. Allele origin: germline.

Laboratory of Genetics, Children's Clinical University Hospital Latvia
Classification: Likely benign. Last evaluated: 2025-02-16. Review status: criteria provided, single submitter. Criteria: ACMG Guidelines, 2015. Collection method: clinical testing. Allele origin: germline. Affected: yes.

Blueprint Genetics
Classification: Likely benign. Last evaluated: 2024-10-15. Review status: criteria provided, single submitter. Criteria: ACMG Guidelines, 2015. Collection method: clinical testing. Allele origin: germline.